The following is an entry in ClinVar:

ClinVar aggregate classification (germline): Uncertain significance (1 of 4 stars; one submission).

Conditions:
Charcot-Marie-Tooth disease type 2. Also called: Charcot-Marie-Tooth type 2. Identifiers: Orphanet 64746, MedGen C0270914, MONDO:0018993.

gnomAD v4.1: 1 of 1,614,166 alleles (0.000062%); highest among the groups gnomAD compares: Non-Finnish European, 0.000085%; no homozygotes.

Submission:

Labcorp Genetics (formerly Invitae), Labcorp
Classification: Uncertain significance for Charcot-Marie-Tooth disease type 2. Last evaluated: 2024-07-19. Review status: criteria provided, single submitter. Criteria: Invitae Variant Classification Sherloc (09022015). Collection method: clinical testing. Allele origin: germline.
Comment: This sequence change replaces methionine, which is neutral and non-polar, with valine, which is neutral and non-polar, at codon 659 of the AARS protein (p.Met659Val). This variant is not present in population databases (gnomAD no frequency). This variant has not been reported in the literature in individuals affected with AARS-related conditions. ClinVar contains an entry for this variant (Variation ID: 1682182). Advanced modeling of protein sequence and biophysical properties (such as structural, functional, and spatial information, amino acid conservation, physicochemical variation, residue mobility, and thermodynamic stability) performed at Invitae indicates that this missense variant is not expected to disrupt AARS protein function with a negative predictive value of 95%. Algorithms developed to predict the effect of sequence changes on RNA splicing suggest that this variant may create or strengthen a splice site. In summary, the available evidence is currently insufficient to determine the role of this variant in disease. Therefore, it has been classified as a Variant of Uncertain Significance.

NM_001605.3(AARS1):c.1975A>G (p.Met659Val)

Gene: AARS1 (alanyl-tRNA synthetase 1; minus strand). Cytogenetic location: 16q22.1.
Variant type: single nucleotide variant.
Coding change: c.1975A>G on transcript NM_001605.3 (MANE Select); coding-DNA position 1975, A replaced by G.
Protein change: p.Met659Val; replaces methionine 659 with valine.
Molecular consequence: missense variant.
Genome position (GRCh38, 1-based): chr16:70,258,997, T>C on the plus strand (A>G on the coding strand, the complement: AARS1 is on the minus strand). VCF-style: chr16-70258997-T-C. GRCh37 (hg19) VCF-style: chr16-70292900-T-C.
Other names: short protein forms M659V.
Identifiers: ClinVar variation 1682182 (VCV001682182.6), dbSNP rs2152154324, ClinGen allele CA396557923.
Genomic context (GRCh38, chr16:70,258,997, plus strand): 5'-GACGGTGTGGGGAGGGGGGGCATTCAGCCGTCGCCCATCCTACCTTGGCTGCCTCAATCA[T>C]CTCATTAGCAATCTCTTCAGCCTTCTTGATCTGTTGGGTGGACATGGCTCCCTTGGCAGT-3'
Protein context (NP_001596.2, residues 649-669): IKKAEEIANE[Met659Val]IEAAKAVYTQ